The following is an entry in ClinVar:

ClinVar aggregate classification (germline): Uncertain significance (1 of 4 stars; one submission).

Allele frequency attached by ClinVar (database versions not stated): ESP Exome Variant Server 0.00008; gnomAD 0.00011; gnomAD exomes 0.00007; ExAC 0.00016.
gnomAD v4.1: 120 of 1,607,964 alleles (0.0075%); highest among the groups gnomAD compares: Admixed American, 0.048%; 1 homozygote.

Submission:

Labcorp Genetics (formerly Invitae), Labcorp
Classification: Uncertain significance. Last evaluated: 2025-02-23. Review status: criteria provided, single submitter. Criteria: Invitae Variant Classification Sherloc (09022015). Collection method: clinical testing. Allele origin: germline.
Comment: This sequence change replaces threonine, which is neutral and polar, with serine, which is neutral and polar, at codon 126 of the SLIT2 protein (p.Thr126Ser). This variant is present in population databases (rs202074735, gnomAD 0.06%), and has an allele count higher than expected for a pathogenic variant. This missense change has been observed in individual(s) with idiopathic hypogonadotropic hypogonadism (PMID: 35797970). ClinVar contains an entry for this variant (Variation ID: 2764630). An algorithm developed to predict the effect of missense changes on protein structure and function (PolyPhen-2) suggests that this variant is likely to be tolerated. In summary, the available evidence is currently insufficient to determine the role of this variant in disease. Therefore, it has been classified as a Variant of Uncertain Significance.

Literature cited by the submitters: PubMed 35797970.

NM_004787.4(SLIT2):c.376A>T (p.Thr126Ser)

Gene: SLIT2 (slit guidance ligand 2; plus strand). Cytogenetic location: 4p15.31.
Variant type: single nucleotide variant.
Coding change: c.376A>T on transcript NM_004787.4 (MANE Select); coding-DNA position 376, A replaced by T.
Protein change: p.Thr126Ser; replaces threonine 126 with serine.
Molecular consequence: missense variant.
Genome position (GRCh38, 1-based): chr4:20,268,862, A>T. VCF-style: chr4-20268862-A-T. GRCh37 (hg19) VCF-style: chr4-20270485-A-T.
Other names: c.376A>T, p.Thr126Ser (NM_001289135.3, NM_001289136.3); short protein forms T126S.
Identifiers: ClinVar variation 2764630 (VCV002764630.3), dbSNP rs202074735, ClinGen allele CA2871060.